The following is an entry in ClinVar:

NC_000017.10:g.(?_4936252)_(4937901_?)del

Gene: SLC52A1 (solute carrier family 52 member 1; minus strand). Cytogenetic location: 17p13.2.
Variant type: Deletion.
Identifiers: ClinVar variation 2426416 (VCV002426416.6).

ClinVar aggregate classification (germline): Uncertain significance (1 of 4 stars; one submission).

Conditions:
Ariboflavinosis. Identifiers: MedGen C5779638, MONDO:0004573, OMIM 615026.

Submission:

Labcorp Genetics (formerly Invitae), Labcorp
Classification: Uncertain significance for Vitamin B2 deficiency. Last evaluated: 2022-09-29. Review status: criteria provided, single submitter. Criteria: Invitae Variant Classification Sherloc (09022015). Collection method: clinical testing. Allele origin: germline.
Comment: In summary, the available evidence is currently insufficient to determine the role of this variant in disease. Therefore, it has been classified as a Variant of Uncertain Significance. Experimental studies and prediction algorithms are not available or were not evaluated, and the functional significance of this variant is currently unknown. This variant has not been reported in the literature in individuals affected with SLC52A1-related conditions. A gross deletion of the genomic region encompassing the full coding sequence of the SLC52A1 gene has been identified. The current clinical and genetic evidence is not sufficient to establish whether loss-of-function variants in SLC52A1 cause disease. The boundaries of this event are unknown as they extend beyond the assayed region for this gene and therefore may encompass additional genes.